The following is an entry in ClinVar:

NM_004646.4(NPHS1):c.3430G>A (p.Asp1144Asn)

Gene: NPHS1 (NPHS1 adhesion molecule, nephrin; minus strand). Cytogenetic location: 19q13.12.
Variant type: single nucleotide variant.
Coding change: c.3430G>A on transcript NM_004646.4 (MANE Select); coding-DNA position 3430, G replaced by A.
Protein change: p.Asp1144Asn; replaces aspartic acid 1144 with asparagine.
Molecular consequence: missense variant.
Genome position (GRCh38, 1-based): chr19:35,831,104, C>T on the plus strand (G>A on the coding strand, the complement: NPHS1 is on the minus strand). VCF-style: chr19-35831104-C-T. GRCh37 (hg19) VCF-style: chr19-36322006-C-T.
Other names: short protein forms D1144N.
Identifiers: ClinVar variation 5010104 (VCV005010104.1).

ClinVar aggregate classification (germline): Uncertain significance (1 of 4 stars; one submission).

gnomAD v4.1: 5 of 1,614,112 alleles (0.00031%); highest among the groups gnomAD compares: South Asian, 0.0044%; no homozygotes.

Submission:

GeneDx
Classification: Uncertain significance. Last evaluated: 2026-02-26. Review status: criteria provided, single submitter. Criteria: GeneDx Variant Classification Process June 2021. Collection method: clinical testing. Allele origin: germline.
Comment: Not observed at significant frequency in large population cohorts (gnomAD); In silico analysis suggests that this missense variant does not alter protein structure/function; Has not been previously published as pathogenic or benign to our knowledge